The following is an entry in ClinVar:

NM_000388.4(CASR):c.3052T>G (p.Cys1018Gly)

Gene: CASR (calcium sensing receptor; plus strand). Cytogenetic location: 3q21.1.
Variant type: single nucleotide variant.
Coding change: c.3052T>G on transcript NM_000388.4 (MANE Select); coding-DNA position 3052, T replaced by G.
Protein change: p.Cys1018Gly; replaces cysteine 1018 with glycine.
Molecular consequence: missense variant.
Genome position (GRCh38, 1-based): chr3:122,285,006, T>G. VCF-style: chr3-122285006-T-G. GRCh37 (hg19) VCF-style: chr3-122003853-T-G.
Other names: c.3082T>G, p.Cys1028Gly (NM_001178065.2); c.3052T>G (NM_000388.3); short protein forms C1018G, C1028G.
Identifiers: ClinVar variation 2944950 (VCV002944950.4), dbSNP rs2473283501, ClinGen allele CA354161335.

ClinVar aggregate classification (germline): Uncertain significance. Review status: criteria provided, multiple submitters, no conflicts (2 of 4 stars). 2 submissions from 2 submitters: Uncertain significance (2). Last evaluated 2023-12-12.

Conditions:
Nephrolithiasis/nephrocalcinosis. Identifiers: MedGen CN580796.
Autosomal dominant hypocalcemia 1 (HYPOC1). Also called: HYPOCALCEMIA, FAMILIAL. Identifiers: MedGen C3715128, MONDO:0011013, OMIM 601198.
Familial hypocalciuric hypercalcemia (FHH). Also called: Familial benign hypercalcemia. Identifiers: Orphanet 405, MedGen C1809471, MONDO:0018458.

Submissions (2):

Ambry Genetics
Classification: Uncertain significance for Nephrolithiasis/nephrocalcinosis. Last evaluated: 2023-12-12. Review status: criteria provided, single submitter. Criteria: Ambry Variant Classification Scheme 2023. Collection method: clinical testing. Allele origin: germline.

Labcorp Genetics (formerly Invitae), Labcorp
Classification: Uncertain significance for Familial hypocalciuric hypercalcemia; Autosomal dominant hypocalcemia 1. Last evaluated: 2023-03-04. Review status: criteria provided, single submitter. Criteria: Invitae Variant Classification Sherloc (09022015). Collection method: clinical testing. Allele origin: germline.
Comment: Algorithms developed to predict the effect of missense changes on protein structure and function output the following: SIFT: "Not Available"; PolyPhen-2: "Benign"; Align-GVGD: "Not Available". The glycine amino acid residue is found in multiple mammalian species, which suggests that this missense change does not adversely affect protein function. This sequence change replaces cysteine, which is neutral and slightly polar, with glycine, which is neutral and non-polar, at codon 1018 of the CASR protein (p.Cys1018Gly). This variant is not present in population databases (gnomAD no frequency). This variant has not been reported in the literature in individuals affected with CASR-related conditions. In summary, the available evidence is currently insufficient to determine the role of this variant in disease. Therefore, it has been classified as a Variant of Uncertain Significance.